The following is an entry in ClinVar:

ClinVar aggregate classification (germline): Uncertain significance. Review status: criteria provided, multiple submitters, no conflicts (2 of 4 stars). 2 submissions from 2 submitters: Uncertain significance (2). Last evaluated 2025-06-07.

Conditions:
Primary ciliary dyskinesia. Also called: Ciliary dyskinesia. Identifiers: Orphanet 244, MedGen C0008780, MONDO:0016575, HP:0012265.

Allele frequency attached by ClinVar (database versions not stated): ESP Exome Variant Server 0.00008; gnomAD 0.00011; 1000 Genomes Project 30x 0.00016; 1000 Genomes Project 0.00020.
gnomAD v4.1: 159 of 1,613,868 alleles (0.0099%); highest among the groups gnomAD compares: Admixed American, 0.012%; no homozygotes.

Submissions (2):

Ambry Genetics
Classification: Uncertain significance for Primary ciliary dyskinesia. Last evaluated: 2025-06-07. Review status: criteria provided, single submitter. Criteria: Ambry Variant Classification Scheme 2023. Collection method: clinical testing. Allele origin: germline.

Labcorp Genetics (formerly Invitae), Labcorp
Classification: Uncertain significance for Primary ciliary dyskinesia. Last evaluated: 2022-07-05. Review status: criteria provided, single submitter. Criteria: Invitae Variant Classification Sherloc (09022015). Collection method: clinical testing. Allele origin: germline.
Comment: This sequence change replaces arginine, which is basic and polar, with tryptophan, which is neutral and slightly polar, at codon 417 of the CCDC114 protein (p.Arg417Trp). This variant is present in population databases (rs199822195, gnomAD 0.02%). This variant has not been reported in the literature in individuals affected with CCDC114-related conditions. ClinVar contains an entry for this variant (Variation ID: 1682870). Algorithms developed to predict the effect of missense changes on protein structure and function are either unavailable or do not agree on the potential impact of this missense change (SIFT: "Deleterious"; PolyPhen-2: "Probably Damaging"; Align-GVGD: "Class C0"). In summary, the available evidence is currently insufficient to determine the role of this variant in disease. Therefore, it has been classified as a Variant of Uncertain Significance.

NM_001364171.2(ODAD1):c.1360C>T (p.Arg454Trp)

Gene: ODAD1 (outer dynein arm docking complex subunit 1; minus strand). Cytogenetic location: 19q13.33.
Variant type: single nucleotide variant.
Coding change: c.1360C>T on transcript NM_001364171.2 (MANE Select); coding-DNA position 1360, C replaced by T.
Protein change: p.Arg454Trp; replaces arginine 454 with tryptophan.
Molecular consequence: missense variant.
Genome position (GRCh38, 1-based): chr19:48,298,221, G>A on the plus strand (C>T on the coding strand, the complement: ODAD1 is on the minus strand). VCF-style: chr19-48298221-G-A. GRCh37 (hg19) VCF-style: chr19-48801478-G-A.
Other names: c.1249C>T, p.Arg417Trp (NM_144577.4); short protein forms R417W, R454W.
Identifiers: ClinVar variation 1682870 (VCV001682870.9), dbSNP rs199822195, ClinGen allele CA9548735.
Genomic context (GRCh38, chr19:48,298,221, plus strand): 5'-CCCTGCCGTCTCCCACCTGGGCATGTAGGAAGGCCTGCACTGTCAGGAGCTCCACCAGCC[G>A]CTTCTCAATGAGGCTCAGGAAGAGGCCCATGTCCCGGTCTCCCATGCTGGTCTTGACCCC-3'
Protein context (NP_001351100.1, residues 444-464): MGLFLSLIEK[Arg454Trp]LVELLTVQAF